The following is an entry in ClinVar:

NM_173648.4(CCDC141):c.2672G>A (p.Arg891Gln)

Gene: CCDC141 (coiled-coil domain containing 141; minus strand). Cytogenetic location: 2q31.2.
Variant type: single nucleotide variant.
Coding change: c.2672G>A on transcript NM_173648.4 (MANE Select); coding-DNA position 2672, G replaced by A.
Protein change: p.Arg891Gln; replaces arginine 891 with glutamine.
Molecular consequence: missense variant.
Genome position (GRCh38, 1-based): chr2:178,865,819, C>T on the plus strand (G>A on the coding strand, the complement: CCDC141 is on the minus strand). VCF-style: chr2-178865819-C-T. GRCh37 (hg19) VCF-style: chr2-179730546-C-T.
Other names: short protein forms R891Q.
Identifiers: ClinVar variation 1364857 (VCV001364857.6), dbSNP rs775183674, ClinGen allele CA2006940.

ClinVar aggregate classification (germline): Uncertain significance (1 of 4 stars; one submission).

gnomAD v4.1: 21 of 1,606,238 alleles (0.0013%); highest among the groups gnomAD compares: Admixed American, 0.0051%; no homozygotes.

Submission:

Labcorp Genetics (formerly Invitae), Labcorp
Classification: Uncertain significance. Last evaluated: 2022-02-24. Review status: criteria provided, single submitter. Criteria: Invitae Variant Classification Sherloc (09022015). Collection method: clinical testing. Allele origin: germline.
Comment: In summary, the available evidence is currently insufficient to determine the role of this variant in disease. Therefore, it has been classified as a Variant of Uncertain Significance. Algorithms developed to predict the effect of missense changes on protein structure and function output the following: SIFT: "Tolerated"; PolyPhen-2: "Benign"; Align-GVGD: "Class C0". The glutamine amino acid residue is found in multiple mammalian species, which suggests that this missense change does not adversely affect protein function. This variant has not been reported in the literature in individuals affected with CCDC141-related conditions. This variant is present in population databases (rs775183674, gnomAD 0.006%). This sequence change replaces arginine, which is basic and polar, with glutamine, which is neutral and polar, at codon 891 of the CCDC141 protein (p.Arg891Gln).